The following is an entry in ClinVar:

ClinVar aggregate classification (germline): Benign/Likely benign. Review status: criteria provided, multiple submitters, no conflicts (2 of 4 stars). 3 submissions from 3 submitters: Benign (1); Likely benign (2). Last evaluated 2025-01-24.

Conditions:
Hereditary cancer-predisposing syndrome. Also called: Tumor predisposition; Neoplastic Syndromes, Hereditary; Hereditary Cancer Syndrome; Hereditary neoplastic syndrome. Identifiers: Orphanet 140162, MedGen C0027672, MeSH D009386, MONDO:0015356.
Lynch syndrome 4 (LYNCH4). Also called: Colorectal cancer, hereditary nonpolyposis, type 4; Hereditary non-polyposis colorectal cancer, type 4. Identifiers: Orphanet 144, MedGen C1838333, MONDO:0013699, OMIM 614337. Disease mechanism: loss of function.
Hereditary nonpolyposis colorectal neoplasms. Identifiers: MedGen C0009405, MeSH D003123.

Submissions (3):

Myriad Genetics, Inc.
Classification: Benign for Lynch syndrome 4. Last evaluated: 2025-01-24. Review status: criteria provided, single submitter. Criteria: Myriad Autosomal Dominant, Autosomal Recessive and X-Linked Classification Criteria (2023). Collection method: clinical testing. Allele origin: unknown.
Comment: This variant is considered benign. This variant is a silent/synonymous amino acid change and it is not expected to impact splicing.

Ambry Genetics
Classification: Likely benign for Hereditary cancer-predisposing syndrome. Last evaluated: 2019-04-09. Review status: criteria provided, single submitter. Criteria: Ambry Variant Classification Scheme 2023. Collection method: clinical testing. Allele origin: germline.

Labcorp Genetics (formerly Invitae), Labcorp
Classification: Likely benign for Hereditary nonpolyposis colorectal neoplasms. Last evaluated: 2018-05-31. Review status: criteria provided, single submitter. Criteria: Invitae Variant Classification Sherloc (09022015). Collection method: clinical testing. Allele origin: germline.

NM_000535.7(PMS2):c.351G>A (p.Leu117=)

Gene: PMS2 (PMS1 homolog 2, mismatch repair system component; minus strand). Cytogenetic location: 7p22.1.
Variant type: single nucleotide variant.
Coding change: c.351G>A on transcript NM_000535.7 (MANE Select); coding-DNA position 351, G replaced by A.
Protein change: p.Leu117=; no amino-acid change (leucine 117 retained).
Molecular consequence: synonymous variant. On other transcripts: intron variant (2), 5 prime UTR variant (9), non-coding transcript variant (1).
Genome position (GRCh38, 1-based): chr7:6,003,692, C>T on the plus strand (G>A on the coding strand, the complement: PMS2 is on the minus strand). VCF-style: chr7-6003692-C-T. GRCh37 (hg19) VCF-style: chr7-6043323-C-T.
Other names: c.35+280G>A (NM_001322008.2, NM_001322007.2); c.-55G>A (NM_001322003.2, NM_001322004.2, NM_001322005.2 and 3 more transcripts); c.351G>A, p.Leu117= (NM_001322006.2, NM_001322014.2); c.-534G>A (NM_001322011.2, NM_001322012.2); c.-134G>A (NM_001322015.2).
Identifiers: ClinVar variation 761070 (VCV000761070.13), dbSNP rs1583408121, ClinGen allele CA453647869.